The following is an entry in ClinVar:

ClinVar aggregate classification (germline): Uncertain significance. Review status: criteria provided, multiple submitters, no conflicts (2 of 4 stars). 2 submissions from 2 submitters: Uncertain significance (2). Last evaluated 2024-10-11.

Conditions:
Hereditary cancer-predisposing syndrome. Also called: Hereditary Cancer Syndrome; Neoplastic Syndromes, Hereditary; Tumor predisposition; Hereditary neoplastic syndrome. Identifiers: Orphanet 140162, MedGen C0027672, MeSH D009386, MONDO:0015356.

Submissions (2):

Ambry Genetics
Classification: Uncertain significance for Hereditary cancer-predisposing syndrome. Last evaluated: 2024-10-11. Review status: criteria provided, single submitter. Criteria: Ambry Variant Classification Scheme 2023. Collection method: clinical testing. Allele origin: germline.
Comment: The p.P348L variant (also known as c.1043C>T), located in coding exon 11 of the BAP1 gene, results from a C to T substitution at nucleotide position 1043. The proline at codon 348 is replaced by leucine, an amino acid with similar properties. This amino acid position is conserved. In addition, this alteration is predicted to be tolerated by in silico analysis. Based on the available evidence, the clinical significance of this variant remains unclear.

Color Diagnostics, LLC DBA Color Health
Classification: Uncertain significance for Hereditary cancer-predisposing syndrome. Last evaluated: 2023-12-05. Review status: criteria provided, single submitter. Criteria: ACMG Guidelines, 2015. Collection method: clinical testing. Allele origin: germline.
Comment: This missense variant replaces proline with leucine at codon 348 of the BAP1 protein. Computational prediction suggests that this variant may not impact protein structure and function (internally defined REVEL score threshold <= 0.5, PMID: 27666373). To our knowledge, functional studies have not been reported for this variant. This variant has not been reported in individuals affected with BAP1-related disorders in the literature. This variant has not been identified in the general population by the Genome Aggregation Database (gnomAD). The available evidence is insufficient to determine the role of this variant in disease conclusively. Therefore, this variant is classified as a Variant of Uncertain Significance.

NM_004656.4(BAP1):c.1043C>T (p.Pro348Leu)

Gene: BAP1 (BRCA1 associated deubiquitinase 1; minus strand). Cytogenetic location: 3p21.1.
Variant type: single nucleotide variant.
Coding change: c.1043C>T on transcript NM_004656.4 (MANE Select); coding-DNA position 1043, C replaced by T.
Protein change: p.Pro348Leu; replaces proline 348 with leucine.
Molecular consequence: missense variant.
Genome position (GRCh38, 1-based): chr3:52,405,183, G>A on the plus strand (C>T on the coding strand, the complement: BAP1 is on the minus strand). VCF-style: chr3-52405183-G-A. GRCh37 (hg19) VCF-style: chr3-52439199-G-A.
Other names: c.1043C>T (NM_004656.2); short protein forms P348L.
Identifiers: ClinVar variation 490765 (VCV000490765.7), dbSNP rs1553645286, ClinGen allele CA353105787.
Genomic context (GRCh38, chr3:52,405,183, plus strand): 5'-TTGGCATAATTGTGATTGTCTAGAAAGGCCGGCAGCCGCTGGACAATGGGAGTGGGGTTG[G>A]GGTGAACCCCATTGAGGCTGCTGCCTGGAGGCTTCACCACTAGCTTGGGTTTGTTGGGAG-3'
Protein context (NP_004647.1, residues 338-358): PPGSSLNGVH[Pro348Leu]NPTPIVQRLP